The following is an entry in ClinVar:

ClinVar aggregate classification (germline): Pathogenic (1 of 4 stars; one submission).

Conditions:
Recessive dystrophic epidermolysis bullosa (RDEB). Also called: DYSTROPHIC EPIDERMOLYSIS BULLOSA, AUTOSOMAL RECESSIVE; EPIDERMOLYSIS BULLOSA DYSTROPHICA, HALLOPEAU-SIEMENS TYPE; Hallopeau-Siemens Disease; severe generalized recessive dystrophic epidermolysis bullosa; EPIDERMOLYSIS BULLOSA DYSTROPHICA, GENERALIZED SEVERE, AUTOSOMAL RECESSIVE; Epidermolysis Bullosa Distrophica Autosomal Recessive (RDEB). Identifiers: Orphanet 79408, Orphanet 79409, MedGen C0079474, MONDO:0009179, OMIM 226600.

Submission:

Myriad Genetics, Inc.
Classification: Pathogenic for Recessive dystrophic epidermolysis bullosa. Last evaluated: 2026-05-27. Review status: criteria provided, single submitter. Criteria: Myriad Autosomal Dominant, Autosomal Recessive and X-Linked Classification Criteria (2023). Collection method: clinical testing. Allele origin: unknown.
Comment: NM_000094.3(COL7A1):c.2389dupG(V797Gfs*17) is expected to be pathogenic in the context of dystrophic epidermolysis bullosa. This variant is predicted to lead to an abnormal or absent protein product due to the creation of a premature termination codon in COL7A1, a gene where loss-of-function variants are known to be pathogenic. Please note: this variant was assessed in the context of healthy population screening.

NM_000094.4(COL7A1):c.2389dup (p.Val797fs)

Gene: COL7A1 (collagen type VII alpha 1 chain; minus strand). Cytogenetic location: 3p21.31.
Variant type: Duplication.
Coding change: c.2389dup on transcript NM_000094.4 (MANE Select); coding-DNA position 2389, one base duplicated (G; older notation c.2389dupG).
Protein change: p.Val797fs; shifts the reading frame from valine 797.
Molecular consequence: frameshift variant.
Genome position (GRCh38, 1-based): chr3:48,588,921, C duplicated on the plus strand (G on the coding strand, the reverse complement: COL7A1 is on the minus strand); the first of 3 consecutive C bases (chr3:48,588,921-48,588,923); duplicating any one gives the same sequence. VCF-style (leftmost placement, unchanged base first): chr3-48588920-A-AC. GRCh37 (hg19) VCF-style: chr3-48626353-A-AC.
Other names: short protein forms V797fs.
Identifiers: ClinVar variation 5015965 (VCV005015965.1).
Genomic context (GRCh38, chr3:48,588,920, plus strand): 5'-GGAGCCATACCTTCACTCCGGCCCCAGGCCAGTCTGTAAGCTGTGGCTCCAGTGACCCCT[A>AC]CCCAGGTGATCCGTAGAACGTCGCTGGAAGCATTGAGGATCTGCAGCCTCGACACACGAC-3'